The following is an entry in ClinVar:

NM_000059.4(BRCA2):c.7007+157C>T

Gene: BRCA2 (BRCA2 DNA repair associated; plus strand). Cytogenetic location: 13q13.1.
Variant type: single nucleotide variant.
Coding change: c.7007+157C>T on transcript NM_000059.4 (MANE Select); 157 bases into the intron after coding-DNA position 7007, C replaced by T.
Molecular consequence: intron variant.
Genome position (GRCh38, 1-based): chr13:32,347,053, C>T. VCF-style: chr13-32347053-C-T. GRCh37 (hg19) VCF-style: chr13-32921190-C-T.
Other names: IVS 13+157C>T.
Identifiers: ClinVar variation 209717 (VCV000209717.1), dbSNP rs56085245, ClinGen allele CA276685.
Genomic context (GRCh38, chr13:32,347,053, plus strand): 5'-AGAAGTTAACACTTCCCGTTTTATAAAATTTATAAAATACTTTGGTAGTATTTTATAGTG[C>T]TGTTCATATCATTATTTTATTTTTTAATTTTATGACAGCTTTGTAAAGTAGACAGATTTT-3'

ClinVar aggregate classification (germline): Benign (3 of 4 stars; one submission).

Conditions:
Breast-ovarian cancer, familial, susceptibility to, 2 (BROVCA2). Also called: BRCA2 Hereditary Breast and Ovarian Cancer. Identifiers: Orphanet 145, MedGen C2675520, MONDO:0012933, OMIM 612555. Disease mechanism: loss of function.

Allele frequency attached by ClinVar (database versions not stated): gnomAD 0.00472 and 0.00503; TOPMed 0.00504; 1000 Genomes Project 0.00719; 1000 Genomes Project 30x 0.00750.
gnomAD v4.1: 710 of 152,002 alleles (0.47%); highest among the groups gnomAD compares: African/African-American, 1.7%; 8 homozygotes.

Submission:

Evidence-based Network for the Interpretation of Germline Mutant Alleles (ENIGMA)
Classification: Benign for Breast-ovarian cancer, familial 2. Last evaluated: 2015-01-12. Review status: reviewed by expert panel. Criteria: ENIGMA BRCA1/2 Classification Criteria (2015). Collection method: curation. Allele origin: germline.
Comment: Class 1 not pathogenic based on frequency >1% in an outbred sampleset. Frequency 0.01829 (African), derived from 1000 genomes (2012-04-30).